The following is an entry in ClinVar:

ClinVar aggregate classification (germline): Uncertain significance. Review status: criteria provided, multiple submitters, no conflicts (2 of 4 stars). 2 submissions from 2 submitters: Uncertain significance (2). Last evaluated 2026-08-05.

Conditions:
Early Myoclonic Encephalopathy. Identifiers: MedGen C0270855.
Inborn genetic diseases. Identifiers: MedGen C0950123, MeSH D030342.

gnomAD v4.1: 1 of 1,611,326 alleles (0.000062%); highest among the groups gnomAD compares: Non-Finnish European, 0.000085%; no homozygotes.

Submissions (2):

Ambry Genetics
Classification: Uncertain significance for Inborn genetic diseases. Last evaluated: 2026-08-05. Review status: criteria provided, single submitter. Criteria: Ambry Variant Classification Scheme 2023. Collection method: clinical testing. Allele origin: germline.

Labcorp Genetics (formerly Invitae), Labcorp
Classification: Uncertain significance for Early Myoclonic Encephalopathy. Last evaluated: 2025-08-03. Review status: criteria provided, single submitter. Criteria: Invitae Variant Classification Sherloc (09022015). Collection method: clinical testing. Allele origin: germline.
Comment: This sequence change replaces valine, which is neutral and non-polar, with alanine, which is neutral and non-polar, at codon 627 of the KCND2 protein (p.Val627Ala). This variant is not present in population databases (gnomAD no frequency). This variant has not been reported in the literature in individuals affected with KCND2-related conditions. Invitae Evidence Modeling of protein sequence and biophysical properties (such as structural, functional, and spatial information, amino acid conservation, physicochemical variation, residue mobility, and thermodynamic stability) indicates that this missense variant is expected to disrupt KCND2 protein function with a positive predictive value of 95%. In summary, the available evidence is currently insufficient to determine the role of this variant in disease. Therefore, it has been classified as a Variant of Uncertain Significance.

NM_012281.3(KCND2):c.1880T>C (p.Val627Ala)

Gene: KCND2 (potassium voltage-gated channel subfamily D member 2; plus strand). Cytogenetic location: 7q31.31.
Variant type: single nucleotide variant.
Coding change: c.1880T>C on transcript NM_012281.3 (MANE Select); coding-DNA position 1880, T replaced by C.
Protein change: p.Val627Ala; replaces valine 627 with alanine.
Molecular consequence: missense variant.
Genome position (GRCh38, 1-based): chr7:120,747,845, T>C. VCF-style: chr7-120747845-T-C. GRCh37 (hg19) VCF-style: chr7-120387899-T-C.
Other names: c.1880T>C (NM_012281.2); short protein forms V627A.
Identifiers: ClinVar variation 4694017 (VCV004694017.2).
Genomic context (GRCh38, chr7:120,747,845, plus strand): 5'-CACCAGAAGGAGACGATAGGCCAGAATCCCCTGAGTACTCAGGAGGAAATATTGTCAGAG[T>C]TTCTGCTTTGTAAGACAATTGGAATAAGGTCTAAGAGAATTCGAGCCCTGGCTGTGAAAA-3'
Protein context (NP_036413.1, residues 617-630): PEYSGGNIVR[Val627Ala]SAL